The following is an entry in ClinVar:

ClinVar aggregate classification (germline): Uncertain significance (1 of 4 stars; one submission).

Conditions:
Glycogen storage disease due to muscle and heart glycogen synthase deficiency. Also called: GSD 0b; MUSCLE GLYCOGEN SYNTHASE DEFICIENCY. Identifiers: Orphanet 137625, MedGen C1969054, MONDO:0012693, OMIM 611556.

Allele frequency attached by ClinVar (database versions not stated): gnomAD 0.00004 and 0.00003; ESP Exome Variant Server 0.00008; gnomAD exomes below 0.00001; ExAC 0.00002; TOPMed 0.00002.

Submission:

Labcorp Genetics (formerly Invitae), Labcorp
Classification: Uncertain significance for Glycogen storage disease due to muscle and heart glycogen synthase deficiency. Last evaluated: 2021-02-25. Review status: criteria provided, single submitter. Criteria: Invitae Variant Classification Sherloc (09022015). Collection method: clinical testing. Allele origin: germline.
Comment: In summary, the available evidence is currently insufficient to determine the role of this variant in disease. Therefore, it has been classified as a Variant of Uncertain Significance. Algorithms developed to predict the effect of sequence changes on RNA splicing suggest that this variant may create or strengthen a splice site, but this prediction has not been confirmed by published transcriptional studies. Algorithms developed to predict the effect of missense changes on protein structure and function are either unavailable or do not agree on the potential impact of this missense change (SIFT: "Tolerated"; PolyPhen-2: "Probably Damaging"; Align-GVGD: "Class C0"). This variant has not been reported in the literature in individuals with GYS1-related conditions. This variant is present in population databases (rs369847599, ExAC 0.02%). This sequence change replaces arginine with glutamine at codon 371 of the GYS1 protein (p.Arg371Gln). The arginine residue is moderately conserved and there is a small physicochemical difference between arginine and glutamine.

NM_002103.5(GYS1):c.1112G>A (p.Arg371Gln)

Gene: GYS1 (glycogen synthase 1; minus strand). Cytogenetic location: 19q13.33.
Variant type: single nucleotide variant.
Coding change: c.1112G>A on transcript NM_002103.5 (MANE Select); coding-DNA position 1112, G replaced by A.
Protein change: p.Arg371Gln; replaces arginine 371 with glutamine.
Molecular consequence: missense variant. On other transcripts: non-coding transcript variant (1).
Genome position (GRCh38, 1-based): chr19:48,981,587, C>T on the plus strand (G>A on the coding strand, the complement: GYS1 is on the minus strand). VCF-style: chr19-48981587-C-T. GRCh37 (hg19) VCF-style: chr19-49484844-C-T.
Other names: c.920G>A, p.Arg307Gln (NM_001161587.2); short protein forms R307Q, R371Q.
Identifiers: ClinVar variation 844943 (VCV000844943.7), dbSNP rs369847599, ClinGen allele CA9563084.